The following is an entry in ClinVar:

ClinVar aggregate classification (germline): Uncertain significance. Review status: criteria provided, multiple submitters, no conflicts (2 of 4 stars). 2 submissions from 2 submitters: Uncertain significance (2). Last evaluated 2022-08-23.

Conditions:
Aicardi-Goutieres syndrome 4. Identifiers: Orphanet 51, MedGen C1835912, MONDO:0012472, OMIM 610333.

Allele frequency attached by ClinVar (database versions not stated): TOPMed 0.00005; gnomAD 0.00001; ExAC 0.00002; ESP Exome Variant Server 0.00008.

Submissions (2):

Labcorp Genetics (formerly Invitae), Labcorp
Classification: Uncertain significance for Aicardi-Goutieres syndrome 4. Last evaluated: 2022-08-23. Review status: criteria provided, single submitter. Criteria: Invitae Variant Classification Sherloc (09022015). Collection method: clinical testing. Allele origin: germline.
Comment: This sequence change replaces arginine, which is basic and polar, with cysteine, which is neutral and slightly polar, at codon 282 of the RNASEH2A protein (p.Arg282Cys). This variant is present in population databases (rs142642923, gnomAD 0.009%). This variant has not been reported in the literature in individuals affected with RNASEH2A-related conditions. ClinVar contains an entry for this variant (Variation ID: 500185). Algorithms developed to predict the effect of missense changes on protein structure and function are either unavailable or do not agree on the potential impact of this missense change (SIFT: "Deleterious"; PolyPhen-2: "Benign"; Align-GVGD: "Class C0"). In summary, the available evidence is currently insufficient to determine the role of this variant in disease. Therefore, it has been classified as a Variant of Uncertain Significance.

Eurofins Ntd Llc (ga)
Classification: Uncertain significance. Last evaluated: 2017-02-20. Review status: criteria provided, single submitter. Criteria: EGL Classification Definitions 2015. Collection method: clinical testing. Allele origin: germline. Observed: 1 variant allele, 1 heterozygote.

NM_006397.3(RNASEH2A):c.844C>T (p.Arg282Cys)

Gene: RNASEH2A (ribonuclease H2 subunit A; plus strand). Cytogenetic location: 19p13.13.
Variant type: single nucleotide variant.
Coding change: c.844C>T on transcript NM_006397.3 (MANE Select); coding-DNA position 844, C replaced by T.
Protein change: p.Arg282Cys; replaces arginine 282 with cysteine.
Molecular consequence: missense variant.
Genome position (GRCh38, 1-based): chr19:12,813,410, C>T. VCF-style: chr19-12813410-C-T. GRCh37 (hg19) VCF-style: chr19-12924224-C-T.
Other names: short protein forms R282C.
Identifiers: ClinVar variation 500185 (VCV000500185.8), dbSNP rs142642923, ClinGen allele CA9232062.